The following is an entry in ClinVar:

ClinVar aggregate classification (germline): Uncertain significance (1 of 4 stars; one submission).

Conditions:
Dilated cardiomyopathy 1W (CMD1W). Identifiers: Orphanet 154, MedGen C1969639, MONDO:0012667, OMIM 611407.

Submission:

Labcorp Genetics (formerly Invitae), Labcorp
Classification: Uncertain significance for Dilated cardiomyopathy 1W. Last evaluated: 2025-08-29. Review status: criteria provided, single submitter. Criteria: Invitae Variant Classification Sherloc (09022015). Collection method: clinical testing. Allele origin: germline.
Comment: This sequence change replaces proline, which is neutral and non-polar, with alanine, which is neutral and non-polar, at codon 840 of the VCL protein (p.Pro840Ala). This variant is not present in population databases (gnomAD no frequency). This variant has not been reported in the literature in individuals affected with VCL-related conditions. ClinVar contains an entry for this variant (Variation ID: 2078469). An algorithm developed to predict the effect of missense changes on protein structure and function (PolyPhen-2) suggests that this variant is likely to be disruptive. In summary, the available evidence is currently insufficient to determine the role of this variant in disease. Therefore, it has been classified as a Variant of Uncertain Significance.

NM_014000.3(VCL):c.2518C>G (p.Pro840Ala)

Gene: VCL (vinculin; plus strand). Cytogenetic location: 10q22.2.
Variant type: single nucleotide variant.
Coding change: c.2518C>G on transcript NM_014000.3 (MANE Select); coding-DNA position 2518, C replaced by G.
Protein change: p.Pro840Ala; replaces proline 840 with alanine.
Molecular consequence: missense variant.
Genome position (GRCh38, 1-based): chr10:74,107,313, C>G. VCF-style: chr10-74107313-C-G. GRCh37 (hg19) VCF-style: chr10-75867071-C-G.
Other names: c.2518C>G, p.Pro840Ala (NM_003373.4); short protein forms P840A.
Identifiers: ClinVar variation 2078469 (VCV002078469.4), dbSNP rs2549233497, ClinGen allele CA377263763.